The following is an entry in ClinVar:

ClinVar aggregate classification (germline): Conflicting classifications of pathogenicity. Review status: criteria provided, conflicting classifications (1 of 4 stars). 8 submissions from 8 submitters: Uncertain significance (6); Likely benign (1). 1 of the submissions does not count toward it. Last evaluated 2025-04-28.

Conditions:
Spastic paraplegia. Identifiers: MedGen C0037772, HP:0001258.
Charlevoix-Saguenay spastic ataxia (SACS). Also called: AUTOSOMAL RECESSIVE SPASTIC ATAXIA OF CHARLEVOIX-SAGUENAY; Spastic ataxia of Charlevoix-Saguenay; SPASTIC ATAXIA 6, AUTOSOMAL RECESSIVE. Identifiers: Orphanet 98, MedGen C1849140, MONDO:0010041, OMIM 270550.

Allele frequency attached by ClinVar (database versions not stated): ExAC 0.00005; gnomAD 0.00008 and 0.00009; gnomAD exomes 0.00008 and 0.00021; TOPMed 0.00010; ESP Exome Variant Server 0.00015.
gnomAD v4.1: 315 of 1,614,042 alleles (0.02%); highest among the groups gnomAD compares: Non-Finnish European, 0.026%; no homozygotes.

Submissions (8):

Labcorp Genetics (formerly Invitae), Labcorp
Classification: Likely benign for Spastic paraplegia. Last evaluated: 2025-04-28. Review status: criteria provided, single submitter. Criteria: Invitae Variant Classification Sherloc (09022015). Collection method: clinical testing. Allele origin: germline.

Mayo Clinic Laboratories, Mayo Clinic
Classification: Uncertain significance. Last evaluated: 2024-12-10. Review status: criteria provided, single submitter. Criteria: ACMG Guidelines, 2015. Collection method: clinical testing. Allele origin: germline. Observed: 2 variant alleles.
Comment: PP3, PM2_supporting

Blueprint Genetics
Classification: Uncertain significance. Last evaluated: 2024-11-26. Review status: criteria provided, single submitter. Criteria: ACMG Guidelines, 2015. Collection method: clinical testing. Allele origin: germline.

CeGaT Center for Human Genetics Tuebingen
Classification: Uncertain significance. Last evaluated: 2023-09-01. Review status: criteria provided, single submitter. Criteria: CeGaT Center For Human Genetics Tuebingen Variant Classification Criteria Version 2. Collection method: clinical testing. Allele origin: germline. Affected: yes. Observed: 1 variant allele.
Comment: SACS: PM2, PP3

Athena Diagnostics
Classification: Uncertain significance. Last evaluated: 2022-12-12. Review status: criteria provided, single submitter. Criteria: Athena Diagnostics Criteria. Collection method: clinical testing. Allele origin: unknown.
Comment: Available data are insufficient to determine the clinical significance of the variant at this time. The frequency of this variant in the general population is uninformative in assessment of its pathogenicity. Computational tools disagree on the variant's effect on normal protein function.

Genome-Nilou Lab
Classification: Uncertain significance for Charlevoix-Saguenay spastic ataxia. Last evaluated: 2021-09-05. Review status: criteria provided, single submitter. Criteria: ACMG Guidelines, 2015. Collection method: clinical testing. Allele origin: germline. Affected: no.

Fulgent Genetics
Classification: Uncertain significance for Charlevoix-Saguenay spastic ataxia. Last evaluated: 2018-10-31. Review status: criteria provided, single submitter. Criteria: ACMG Guidelines, 2015. Collection method: clinical testing. Allele origin: unknown.

Natera, Inc.
Classification: Uncertain significance for Charlevoix-Saguenay type spastic ataxia. Last evaluated: 2020-03-08. Review status: no assertion criteria provided. Collection method: clinical testing. Allele origin: germline. Not counted in ClinVar's aggregate classification.

Literature cited by the submitters: PubMed 23280630 (cited by Athena Diagnostics).

NM_014363.6(SACS):c.5744A>G (p.His1915Arg)

Gene: SACS (sacsin molecular chaperone; minus strand). Cytogenetic location: 13q12.12.
Variant type: single nucleotide variant.
Coding change: c.5744A>G on transcript NM_014363.6 (MANE Select); coding-DNA position 5744, A replaced by G.
Protein change: p.His1915Arg; replaces histidine 1915 with arginine.
Molecular consequence: missense variant.
Genome position (GRCh38, 1-based): chr13:23,338,132, T>C on the plus strand (A>G on the coding strand, the complement: SACS is on the minus strand). VCF-style: chr13-23338132-T-C. GRCh37 (hg19) VCF-style: chr13-23912271-T-C.
Other names: c.5303A>G, p.His1768Arg (NM_001278055.2); short protein forms H1915R, H1768R.
Identifiers: ClinVar variation 586434 (VCV000586434.47), dbSNP rs144822691, ClinGen allele CA6911201.